The following is an entry in ClinVar:

ClinVar aggregate classification (germline): Uncertain significance. Review status: criteria provided, multiple submitters, no conflicts (2 of 4 stars). 4 submissions from 4 submitters: Uncertain significance (3). 1 of the submissions does not count toward it. Last evaluated 2025-12-17.

Conditions:
Renal carnitine transport defect (CDSP). Also called: Primary carnitine deficiency; CARNITINE DEFICIENCY, SYSTEMIC, DUE TO DEFECT IN RENAL REABSORPTION OF CARNITINE; CARNITINE TRANSPORTER, PLASMA-MEMBRANE, DEFICIENCY OF; CARNITINE UPTAKE DEFECT; Systemic primary carnitine deficiency; Carnitine transporter deficiency. Identifiers: Orphanet 158, MedGen C0342788, MONDO:0008919, OMIM 212140.
SLC22A5-related disorder. Also called: SLC22A5-related condition.
Decreased circulating carnitine concentration. Also called: Decreased plasma carnitine. Identifiers: MedGen C5848230, HP:0003234.

Allele frequency attached by ClinVar (database versions not stated): ESP Exome Variant Server 0.00008; TOPMed 0.00015; gnomAD 0.00016.
gnomAD v4.1: 48 of 1,614,032 alleles (0.003%); highest among the groups gnomAD compares: African/African-American, 0.027%; no homozygotes.

Submissions (4):

PreventionGenetics, part of Exact Sciences
Classification: Uncertain significance for SLC22A5-related condition. Last evaluated: 2025-12-17. Review status: criteria provided, single submitter. Criteria: ACMG Guidelines, 2015. Collection method: clinical testing. Allele origin: germline.
Comment: The SLC22A5 c.791C>T variant is predicted to result in the amino acid substitution p.Thr264Met. To our knowledge, this variant has not been reported in the literature. This variant is reported in 0.036% of alleles in individuals of African descent in gnomAD. At this time, the clinical significance of this variant is uncertain due to the absence of conclusive functional and genetic evidence.

Labcorp Genetics (formerly Invitae), Labcorp
Classification: Uncertain significance for Renal carnitine transport defect. Last evaluated: 2022-08-16. Review status: criteria provided, single submitter. Criteria: Invitae Variant Classification Sherloc (09022015). Collection method: clinical testing. Allele origin: germline.
Comment: This sequence change replaces threonine, which is neutral and polar, with methionine, which is neutral and non-polar, at codon 264 of the SLC22A5 protein (p.Thr264Met). This variant is present in population databases (rs201262157, gnomAD 0.04%). This missense change has been observed in individual(s) with primary carnitine deficiency and in an individual affected with cardiomyopathy (PMID: 18337137, 26828774). ClinVar contains an entry for this variant (Variation ID: 529846). Advanced modeling of protein sequence and biophysical properties (such as structural, functional, and spatial information, amino acid conservation, physicochemical variation, residue mobility, and thermodynamic stability) performed at Invitae indicates that this missense variant is expected to disrupt SLC22A5 protein function. Experimental studies have shown that this missense change affects SLC22A5 function (PMID: 18337137, 28841266). In summary, the available evidence is currently insufficient to determine the role of this variant in disease. Therefore, it has been classified as a Variant of Uncertain Significance.

Fulgent Genetics
Classification: Uncertain significance for Renal carnitine transport defect. Last evaluated: 2021-10-10. Review status: criteria provided, single submitter. Criteria: ACMG Guidelines, 2015. Collection method: clinical testing. Allele origin: unknown.

Natera, Inc.
Classification: Uncertain significance for Carnitine deficiency. Last evaluated: 2021-06-10. Review status: no assertion criteria provided. Collection method: clinical testing. Allele origin: germline. Not counted in ClinVar's aggregate classification.

Literature cited by the submitters: PubMed 18337137 (cited by Labcorp Genetics (formerly Invitae), Labcorp); PubMed 26828774 (cited by Labcorp Genetics (formerly Invitae), Labcorp); PubMed 28841266 (cited by Labcorp Genetics (formerly Invitae), Labcorp).

NM_003060.4(SLC22A5):c.791C>T (p.Thr264Met)

Gene: SLC22A5 (solute carrier family 22 member 5; plus strand). Cytogenetic location: 5q31.1.
Variant type: single nucleotide variant.
Coding change: c.791C>T on transcript NM_003060.4 (MANE Select); coding-DNA position 791, C replaced by T.
Protein change: p.Thr264Met; replaces threonine 264 with methionine.
Molecular consequence: missense variant.
Genome position (GRCh38, 1-based): chr5:132,385,466, C>T. VCF-style: chr5-132385466-C-T. GRCh37 (hg19) VCF-style: chr5-131721158-C-T.
Other names: c.863C>T, p.Thr288Met (NM_001308122.2); short protein forms T264M, T288M.
Identifiers: ClinVar variation 529846 (VCV000529846.15), dbSNP rs201262157, ClinGen allele CA3403969.